The following is an entry in ClinVar:

NM_001165963.4(SCN1A):c.5173G>A (p.Gly1725Ser)

Genes: SCN1A (sodium voltage-gated channel alpha subunit 1; minus strand), LOC102724058 (uncharacterized LOC102724058; plus strand). Cytogenetic location: 2q24.3.
Variant type: single nucleotide variant.
Coding change: c.5173G>A on transcript NM_001165963.4 (MANE Select); coding-DNA position 5173, G replaced by A.
Protein change: p.Gly1725Ser; replaces glycine 1725 with serine.
Molecular consequence: missense variant. On other transcripts: non-coding transcript variant (1).
Genome position (GRCh38, 1-based): chr2:165,992,102, C>T on the plus strand (G>A on the coding strand, the complement: SCN1A is on the minus strand). VCF-style: chr2-165992102-C-T. GRCh37 (hg19) VCF-style: chr2-166848612-C-T.
Other names: c.5089G>A, p.Gly1697Ser (NM_001165964.3, NM_001353957.2, NM_001353958.2); c.5173G>A, p.Gly1725Ser (NM_001202435.3, NM_001353948.2); c.5140G>A, p.Gly1714Ser (NM_001353949.2, NM_001353950.2, NM_001353951.2 and 2 more transcripts); c.5173G>A (NM_001165963.1); c.5137G>A, p.Gly1713Ser (NM_001353954.2, NM_001353955.2); c.5086G>A, p.Gly1696Ser (NM_001353960.2); c.2731G>A, p.Gly911Ser (NM_001353961.2); short protein forms G1696S, G1697S, G1713S, G1714S, G1725S, G911S.
Identifiers: ClinVar variation 995420 (VCV000995420.5), dbSNP rs1689280236, ClinGen allele CA349068793.

ClinVar aggregate classification (germline): Likely pathogenic. Review status: criteria provided, multiple submitters, no conflicts (2 of 4 stars). 3 submissions from 3 submitters: Likely pathogenic (3). Last evaluated 2025-07-09.

Conditions:
Severe myoclonic epilepsy in infancy (DRVT). Also called: Dravet syndrome; SEVERE MYOCLONIC EPILEPSY OF INFANCY; DEVELOPMENTAL AND EPILEPTIC ENCEPHALOPATHY 6A; Severe Myoclonic Epilepsy in Infancy (SMEI); Epileptic encephalopathy, early infantile, 6 (Dravet syndrome). Identifiers: Orphanet 33069, MedGen C0751122, MONDO:0100135, OMIM 607208.
Early-infantile DEE. Also called: Early infantile epileptic encephalopathy; Ohtahara syndrome; Early infantile epileptic encephalopathy with suppression bursts. Identifiers: Orphanet 1934, MedGen C0393706, MONDO:0800491.

Submissions (3):

GeneDx
Classification: Likely pathogenic. Last evaluated: 2025-07-09. Review status: criteria provided, single submitter. Criteria: GeneDx Variant Classification Process June 2021. Collection method: clinical testing. Allele origin: germline. Affected: yes.
Comment: Not observed at significant frequency in large population cohorts (gnomAD); In silico analysis supports that this missense variant has a deleterious effect on protein structure/function; Has not been previously published as pathogenic or benign to our knowledge; This variant is associated with the following publications: (PMID: 29142202, 18930999)

Labcorp Genetics (formerly Invitae), Labcorp
Classification: Likely pathogenic for Early-infantile DEE. Last evaluated: 2022-11-23. Review status: criteria provided, single submitter. Criteria: Invitae Variant Classification Sherloc (09022015). Collection method: clinical testing. Allele origin: germline.
Comment: This sequence change replaces glycine, which is neutral and non-polar, with serine, which is neutral and polar, at codon 1725 of the SCN1A protein (p.Gly1725Ser). This variant is not present in population databases (gnomAD no frequency). This variant has not been reported in the literature in individuals affected with SCN1A-related conditions. In summary, the currently available evidence indicates that the variant is pathogenic, but additional data are needed to prove that conclusively. Therefore, this variant has been classified as Likely Pathogenic. ClinVar contains an entry for this variant (Variation ID: 995420). Advanced modeling of protein sequence and biophysical properties (such as structural, functional, and spatial information, amino acid conservation, physicochemical variation, residue mobility, and thermodynamic stability) performed at Invitae indicates that this missense variant is expected to disrupt SCN1A protein function. This variant disrupts the p.Gly1725 amino acid residue in SCN1A. Other variant(s) that disrupt this residue have been determined to be pathogenic (PMID: 29142202; Invitae). This suggests that this residue is clinically significant, and that variants that disrupt this residue are likely to be disease-causing.

MVZ Martinsried, Medicover Genetics
Classification: Likely pathogenic for Severe myoclonic epilepsy in infancy. Last evaluated: 2020-11-25. Review status: criteria provided, single submitter. Criteria: ACGS Guidelines, 2020. Collection method: clinical testing. Allele origin: unknown. Affected: yes.

Literature cited by the submitters: PubMed 29142202 (cited by Labcorp Genetics (formerly Invitae), Labcorp).